The following is an entry in ClinVar:

NM_006767.4(LZTR1):c.2241C>A (p.Tyr747Ter)

Gene: LZTR1 (leucine zipper like post translational regulator 1; plus strand). Cytogenetic location: 22q11.21.
Variant type: single nucleotide variant.
Coding change: c.2241C>A on transcript NM_006767.4 (MANE Select); coding-DNA position 2241, C replaced by A.
Protein change: p.Tyr747Ter; replaces tyrosine 747 with a stop codon.
Molecular consequence: nonsense.
Genome position (GRCh38, 1-based): chr22:20,996,717, C>A. VCF-style: chr22-20996717-C-A. GRCh37 (hg19) VCF-style: chr22-21351006-C-A.
Other names: c.2241C>A (NM_006767.3); short protein forms Y747*.
Identifiers: ClinVar variation 2728722 (VCV002728722.4), dbSNP rs756466043, ClinGen allele CA10119312.
Genomic context (GRCh38, chr22:20,996,717, plus strand): 5'-GACCAGCTTCCTTTAGTCAGCTCCTTAACCAGGCCCCAGCTACTTGTTTGCGGCCCCCTA[C>A]TACTACGGCTTCTACAACAACCGGCTGCAGGCGTACTGCAAGCAGAACCTGGAGATGAAC-3'

ClinVar aggregate classification (germline): Pathogenic. Review status: criteria provided, multiple submitters, no conflicts (2 of 4 stars). 2 submissions from 2 submitters: Pathogenic (2). Last evaluated 2024-09-09.

Conditions:
Cardiovascular phenotype. Identifiers: MedGen CN230736.
Hereditary cancer-predisposing syndrome. Also called: Hereditary Cancer Syndrome; Tumor predisposition; Neoplastic Syndromes, Hereditary; Hereditary neoplastic syndrome. Identifiers: Orphanet 140162, MedGen C0027672, MeSH D009386, MONDO:0015356.

Allele frequency attached by ClinVar (database versions not stated): gnomAD exomes below 0.00001.
gnomAD v4.1: 3 of 1,613,668 alleles (0.00019%); highest among the groups gnomAD compares: African/African-American, 0.0013%; no homozygotes.

Submissions (2):

Labcorp Genetics (formerly Invitae), Labcorp
Classification: Pathogenic. Last evaluated: 2024-09-09. Review status: criteria provided, single submitter. Criteria: Invitae Variant Classification Sherloc (09022015). Collection method: clinical testing. Allele origin: germline.
Comment: This sequence change creates a premature translational stop signal (p.Tyr747*) in the LZTR1 gene. It is expected to result in an absent or disrupted protein product. Loss-of-function variants in LZTR1 are known to be pathogenic (PMID: 24362817, 25335493, 25480913, 25795793, 29469822, 30368668, 30442762, 30442766, 30481304, 30859559). This variant is present in population databases (rs756466043, gnomAD 0.003%). This variant has not been reported in the literature in individuals affected with LZTR1-related conditions. For these reasons, this variant has been classified as Pathogenic.

Ambry Genetics
Classification: Pathogenic for Cardiovascular phenotype; Hereditary cancer-predisposing syndrome. Last evaluated: 2023-05-16. Review status: criteria provided, single submitter. Criteria: Ambry Variant Classification Scheme 2023. Collection method: clinical testing. Allele origin: germline.
Comment: The p.Y747* pathogenic mutation (also known as c.2241C>A), located in coding exon 19 of the LZTR1 gene, results from a C to A substitution at nucleotide position 2241. This changes the amino acid from a tyrosine to a stop codon within coding exon 19. This alteration is expected to result in loss of function by premature protein truncation or nonsense-mediated mRNA decay. Loss-of-function variants in LZTR1 are related to an increased risk for schwannomas and autosomal recessive Noonan syndrome; however, such associations with autosomal dominant Noonan syndrome have not been observed (Piotrowski A et al. Nat Genet. 2014 Feb;46:182-7; Yamamoto GL et al. J Med Genet. 2015 Jun;52:413-21; Johnston JJ et al. Genet Med. 2018 10;20:1175-1185). Based on the supporting evidence, this variant is pathogenic for an increased risk of LZTR1-related schwannomatosis (SWN) and would be expected to cause autosomal recessive Noonan syndrome when present along with a second pathogenic or likely pathogenic variant on the other allele; however, the association of this alteration with autosomal dominant Noonan syndrome is unlikely.

Literature cited by the submitters: PubMed 24362817 (cited by Labcorp Genetics (formerly Invitae), Labcorp); PubMed 25335493 (cited by Labcorp Genetics (formerly Invitae), Labcorp); PubMed 25480913 (cited by Labcorp Genetics (formerly Invitae), Labcorp); PubMed 25795793 (cited by Labcorp Genetics (formerly Invitae), Labcorp); PubMed 29469822 (cited by Labcorp Genetics (formerly Invitae), Labcorp); PubMed 30368668 (cited by Labcorp Genetics (formerly Invitae), Labcorp); PubMed 30442762 (cited by Labcorp Genetics (formerly Invitae), Labcorp); PubMed 30442766 (cited by Labcorp Genetics (formerly Invitae), Labcorp); PubMed 30481304 (cited by Labcorp Genetics (formerly Invitae), Labcorp); PubMed 30859559 (cited by Labcorp Genetics (formerly Invitae), Labcorp).